The following is an entry in ClinVar:

NM_000807.4(GABRA2):c.494A>T (p.Glu165Val)

Gene: GABRA2 (gamma-aminobutyric acid type A receptor subunit alpha2; minus strand). Cytogenetic location: 4p12.
Variant type: single nucleotide variant.
Coding change: c.494A>T on transcript NM_000807.4 (MANE Select); coding-DNA position 494, A replaced by T.
Protein change: p.Glu165Val; replaces glutamic acid 165 with valine.
Molecular consequence: missense variant.
Genome position (GRCh38, 1-based): chr4:46,310,238, T>A on the plus strand (A>T on the coding strand, the complement: GABRA2 is on the minus strand). VCF-style: chr4-46310238-T-A. GRCh37 (hg19) VCF-style: chr4-46312255-T-A.
Other names: c.494A>T, p.Glu165Val (NM_001114175.3, NM_001330690.2, NM_001377144.1 and 8 more transcripts); c.329A>T, p.Glu110Val (NM_001286827.3, NM_001377152.1, NM_001377153.1 and 1 more transcripts); short protein forms E110V, E165V.
Identifiers: ClinVar variation 4717620 (VCV004717620.1).
Genomic context (GRCh38, chr4:46,310,238, plus strand): 5'-CCAAATTTCAGAGGACATGAATGAGCATCCATTGGGAAATCCTCCAAGTGCATTGGGCAT[T>A]CAGCTTGAACTGTAAGCCTAAAAGTCAAAATTTCACTATTTGTTTAAGTATATTGGTAAG-3'
Protein context (NP_000798.2, residues 155-175): LYTMRLTVQA[Glu165Val]CPMHLEDFPM

ClinVar aggregate classification (germline): Uncertain significance (1 of 4 stars; one submission).

Submission:

Labcorp Genetics (formerly Invitae), Labcorp
Classification: Uncertain significance. Last evaluated: 2025-04-17. Review status: criteria provided, single submitter. Criteria: Invitae Variant Classification Sherloc (09022015). Collection method: clinical testing. Allele origin: germline.
Comment: This sequence change replaces glutamic acid, which is acidic and polar, with valine, which is neutral and non-polar, at codon 165 of the GABRA2 protein (p.Glu165Val). This variant is not present in population databases (gnomAD no frequency). This variant has not been reported in the literature in individuals affected with GABRA2-related conditions. An algorithm developed to predict the effect of missense changes on protein structure and function (PolyPhen-2) suggests that this variant is likely to be disruptive. In summary, the available evidence is currently insufficient to determine the role of this variant in disease. Therefore, it has been classified as a Variant of Uncertain Significance.